The following is an entry in ClinVar:

NM_015386.3(COG4):c.369G>A (p.Lys123=)

Gene: COG4 (component of oligomeric golgi complex 4; minus strand). Cytogenetic location: 16q22.1.
Variant type: single nucleotide variant.
Coding change: c.369G>A on transcript NM_015386.3 (MANE Select); coding-DNA position 369, G replaced by A.
Protein change: p.Lys123=; no amino-acid change (lysine 123 retained).
Molecular consequence: synonymous variant. On other transcripts: 5 prime UTR variant (1), non-coding transcript variant (1).
Genome position (GRCh38, 1-based): chr16:70,517,626, C>T on the plus strand (G>A on the coding strand, the complement: COG4 is on the minus strand). VCF-style: chr16-70517626-C-T. GRCh37 (hg19) VCF-style: chr16-70551529-C-T.
Other names: c.357G>A, p.Lys119= (NM_001195139.2); c.-231G>A (NM_001365426.1).
Identifiers: ClinVar variation 2741045 (VCV002741045.3), dbSNP rs775576238, ClinGen allele CA8144725.

ClinVar aggregate classification (germline): Uncertain significance (1 of 4 stars; one submission).

Conditions:
COG4-congenital disorder of glycosylation. Also called: CONGENITAL DISORDER OF GLYCOSYLATION, TYPE IIj; CDG IIj; COG4-CDG. Identifiers: Orphanet 263501, MedGen C4303552, MONDO:0013281, OMIM 613489.

Allele frequency attached by ClinVar (database versions not stated): ExAC 0.00002; gnomAD exomes 0.00002; TOPMed 0.00002.

Submission:

Labcorp Genetics (formerly Invitae), Labcorp
Classification: Uncertain significance for COG4-congenital disorder of glycosylation. Last evaluated: 2023-02-22. Review status: criteria provided, single submitter. Criteria: Invitae Variant Classification Sherloc (09022015). Collection method: clinical testing. Allele origin: germline.
Comment: In summary, the available evidence is currently insufficient to determine the role of this variant in disease. Therefore, it has been classified as a Variant of Uncertain Significance. Variants that disrupt the consensus splice site are a relatively common cause of aberrant splicing (PMID: 17576681, 9536098). Algorithms developed to predict the effect of sequence changes on RNA splicing suggest that this variant may disrupt the consensus splice site. This variant has not been reported in the literature in individuals affected with COG4-related conditions. This variant is present in population databases (rs775576238, gnomAD 0.06%). This sequence change affects codon 123 of the COG4 mRNA. It is a 'silent' change, meaning that it does not change the encoded amino acid sequence of the COG4 protein. This variant also falls at the last nucleotide of exon 3, which is part of the consensus splice site for this exon.

Literature cited by the submitters: PubMed 17576681; PubMed 9536098.